The following is an entry in ClinVar:

NM_016169.4(SUFU):c.1147_1150del (p.Leu383fs)

Gene: SUFU (SUFU negative regulator of hedgehog signaling; plus strand). Cytogenetic location: 10q24.32.
Variant type: Microsatellite.
Coding change: c.1147_1150del on transcript NM_016169.4 (MANE Select); coding-DNA positions 1147 to 1150, 4 bases deleted (CTCT; older notation c.1147_1150delCTCT).
Protein change: p.Leu383fs; shifts the reading frame from leucine 383.
Molecular consequence: frameshift variant.
Genome position (GRCh38, 1-based): chr10:102,615,392-102,615,395, CTCT deleted; deleting any 4 consecutive bases within chr10:102,615,390-102,615,395 gives the same sequence; the c. name uses the placement nearest the transcript's 3' end. VCF-style (leftmost placement, unchanged base first): chr10-102615389-CCTCT-C. GRCh37 (hg19) VCF-style: chr10-104375146-CCTCT-C.
Other names: c.1147_1150del, p.Leu383fs (NM_001178133.2); c.1145_1146CT[1], p.Leu383Alafs (NM_016169.3); c.1147_1150del (NM_016169.3); short protein forms L383fs.
Identifiers: ClinVar variation 2577897 (VCV002577897.3), dbSNP rs2492780008, ClinGen allele CA2580617498.

ClinVar aggregate classification (germline): Pathogenic/Likely pathogenic. Review status: criteria provided, multiple submitters, no conflicts (2 of 4 stars). 3 submissions from 3 submitters: Pathogenic (1); Likely pathogenic (2). Last evaluated 2025-02-02.

Conditions:
Gorlin syndrome. Also called: Nevoid Basal Cell Carcinoma Syndrome; Basal cell nevus syndrome. Identifiers: Orphanet 377, MedGen C0004779, MONDO:0007187.
Basal cell nevus syndrome 2 (BCNS2). Also called: NEVOID BASAL CELL CARCINOMA SYNDROME 2. Identifiers: MedGen C5830451, MONDO:0958189, OMIM 620343.

Submissions (3):

GeneDx
Classification: Likely pathogenic. Last evaluated: 2025-02-02. Review status: criteria provided, single submitter. Criteria: GeneDx Variant Classification Process June 2021. Collection method: clinical testing. Allele origin: germline. Affected: yes.
Comment: Frameshift variant predicted to result in protein truncation or nonsense mediated decay in a gene for which loss of function is a known mechanism of disease; Not observed at significant frequency in large population cohorts (gnomAD); Has not been previously published as pathogenic or benign to our knowledge

St. Jude Molecular Pathology, St. Jude Children's Research Hospital
Classification: Pathogenic for Basal cell nevus syndrome 1. Last evaluated: 2023-05-23. Review status: criteria provided, single submitter. Criteria: St. Jude Assertion Criteria 2020. Collection method: clinical testing. Allele origin: germline.
Comment: The SUFU c.1147_1150del (p.Leu383AlafsTer2) change deletes four nucleotides to cause a frameshift and the creation of a premature stop codon. This change is predicted to cause protein truncation or absence of protein due to nonsense-mediated decay. This variant is absent in gnomAD v2.1.1. In summary, this variant meets criteria to be classified as pathogenic.

Institute for Genomic Medicine (IGM) Clinical Laboratory, Nationwide Children's Hospital
Classification: Likely pathogenic for Basal cell nevus syndrome 2. Last evaluated: 2023-04-27. Review status: criteria provided, single submitter. Criteria: ACMG Guidelines, 2015. Collection method: clinical testing. Allele origin: germline.
Comment: This variant is predicted to result in loss of function through nonsense-mediated decay of the encoded transcript or premature truncation of the encoded protein in a gene in which loss of function is a known mechanism of disease (ACMG/AMP: PVS1; PMIDs:12068298, 21188540). This variant is absent from or present at an exceedingly low frequency in gnomAD, a large-scale control population database (ACMG/AMP: PM2).

Literature cited by the submitters: PubMed 12068298 (cited by Institute for Genomic Medicine (IGM) Clinical Laboratory, Nationwide Children's Hospital); PubMed 21188540 (cited by Institute for Genomic Medicine (IGM) Clinical Laboratory, Nationwide Children's Hospital).